The following is an entry in ClinVar:

NM_018006.5(TRMU):c.118G>C (p.Asp40His)

Gene: TRMU (tRNA mitochondrial 2-thiouridylase; plus strand). Cytogenetic location: 22q13.31.
Variant type: single nucleotide variant.
Coding change: c.118G>C on transcript NM_018006.5 (MANE Select); coding-DNA position 118, G replaced by C.
Protein change: p.Asp40His; replaces aspartic acid 40 with histidine.
Molecular consequence: missense variant. On other transcripts: 5 prime UTR variant (3), non-coding transcript variant (2).
Genome position (GRCh38, 1-based): chr22:46,337,814, G>C. VCF-style: chr22-46337814-G-C. GRCh37 (hg19) VCF-style: chr22-46733711-G-C.
Other names: p.D40H:GAC>CAC; c.-118G>C (NM_001282782.2); c.-137G>C (NM_001282783.2, NM_001282784.2); c.118G>C, p.Asp40His (NM_001282785.2); short protein forms D40H.
Identifiers: ClinVar variation 215291 (VCV000215291.2), dbSNP rs863224240, ClinGen allele CA321425.

ClinVar aggregate classification (germline): Uncertain significance (1 of 4 stars; one submission).

Allele frequency attached by ClinVar (database versions not stated): gnomAD exomes below 0.00001; gnomAD 0.00001.
gnomAD v4.1: 3 of 1,614,116 alleles (0.00019%); highest among the groups gnomAD compares: African/African-American, 0.004%; no homozygotes.

Submission:

GeneDx
Classification: Uncertain significance. Last evaluated: 2012-06-08. Review status: criteria provided, single submitter. Criteria: GeneDx Variant Classification (06012015). Collection method: clinical testing. Allele origin: germline. Affected: yes.
Comment: p.Asp40His (GAC>CAC): c.118 G>C in exon 2 of the TRMU gene (NM_018006.4). The D40H missense change variant of unknown significance identified in the TRMU gene has not been published as a mutation, nor has it been reported as a benign polymorphism to our knowledge. The amino acid change is non-conservative in that a negatively charged Aspartic Acid residue is replaced by a positively charged Histidine residue. This change occurs at a position in the TRMU protein that is not highly conserved. Multiple in-silico analysis models predict that D40H is damaging to the TRMU protein. Therefore, based on the currently available information it is unclear whether D40H is a disease-causing mutation or a rare benign variant. The variant is found in MITONUC-MITOP panel(s).